The following is an entry in ClinVar:

ClinVar aggregate classification (germline): Uncertain significance (1 of 4 stars; one submission).

Conditions:
Inborn genetic diseases. Identifiers: MedGen C0950123, MeSH D030342.

Submission:

Ambry Genetics
Classification: Uncertain significance for Inborn genetic diseases. Last evaluated: 2025-03-31. Review status: criteria provided, single submitter. Criteria: Ambry Variant Classification Scheme 2023. Collection method: clinical testing. Allele origin: germline.
Comment: The p.P840L variant (also known as c.2519C>T), located in coding exon 13 of the ASXL1 gene, results from a C to T substitution at nucleotide position 2519. The proline at codon 840 is replaced by leucine, an amino acid with similar properties. This amino acid position is conserved. In addition, this alteration is predicted to be tolerated by in silico analysis. Based on the available evidence, the clinical significance of this variant remains unclear.

NM_015338.6(ASXL1):c.2519C>T (p.Pro840Leu)

Gene: ASXL1 (ASXL transcriptional regulator 1; plus strand). Cytogenetic location: 20q11.21.
Variant type: single nucleotide variant.
Coding change: c.2519C>T on transcript NM_015338.6 (MANE Select); coding-DNA position 2519, C replaced by T.
Protein change: p.Pro840Leu; replaces proline 840 with leucine.
Molecular consequence: missense variant.
Genome position (GRCh38, 1-based): chr20:32,435,231, C>T. VCF-style: chr20-32435231-C-T. GRCh37 (hg19) VCF-style: chr20-31023034-C-T.
Other names: c.2336C>T, p.Pro779Leu (NM_001363734.1); short protein forms P779L, P840L.
Identifiers: ClinVar variation 3955563 (VCV003955563.1).